The following is an entry in ClinVar:

NM_000414.4(HSD17B4):c.1180A>G (p.Ile394Val)

Gene: HSD17B4 (hydroxysteroid 17-beta dehydrogenase 4; plus strand). Cytogenetic location: 5q23.1.
Variant type: single nucleotide variant.
Coding change: c.1180A>G on transcript NM_000414.4 (MANE Select); coding-DNA position 1180, A replaced by G.
Protein change: p.Ile394Val; replaces isoleucine 394 with valine.
Molecular consequence: missense variant. On other transcripts: non-coding transcript variant (2).
Genome position (GRCh38, 1-based): chr5:119,499,524, A>G. VCF-style: chr5-119499524-A-G. GRCh37 (hg19) VCF-style: chr5-118835219-A-G.
Other names: c.1255A>G, p.Ile419Val (NM_001199291.3); c.1126A>G, p.Ile376Val (NM_001199292.2); c.1108A>G, p.Ile370Val (NM_001292027.2); c.760A>G, p.Ile254Val (NM_001292028.2); c.1171A>G, p.Ile391Val (NM_001374497.1); c.1180A>G, p.Ile394Val (NM_001374498.1); c.853A>G, p.Ile285Val (NM_001374499.1); c.739A>G, p.Ile247Val (NM_001374500.1); and 1 more; short protein forms I254V, I257V, I391V, I394V, I376V, I419V, I247V, I285V.
Identifiers: ClinVar variation 2200900 (VCV002200900.1), dbSNP rs764956942, ClinGen allele CA3382102.

ClinVar aggregate classification (germline): Uncertain significance (1 of 4 stars; one submission).

Conditions:
Bifunctional peroxisomal enzyme deficiency (DBIF). Also called: DBP DEFICIENCY; PBFE DEFICIENCY; D-bifunctional protein deficiency. Identifiers: Orphanet 300, MedGen C0342870, MONDO:0009855, OMIM 261515. Disease mechanism: loss of function.
Perrault syndrome. Also called: Gonadal dysgenesis with auditory dysfunction, autosomal recessive inheritance. Identifiers: Orphanet 2855, MedGen C0685838, MONDO:0017312.

Allele frequency attached by ClinVar (database versions not stated): gnomAD 0.00002; gnomAD exomes 0.00003; TOPMed 0.00003; ExAC 0.00004.
gnomAD v4.1: 52 of 1,612,802 alleles (0.0032%); highest among the groups gnomAD compares: Non-Finnish European, 0.0037%; no homozygotes.

Submission:

Labcorp Genetics (formerly Invitae), Labcorp
Classification: Uncertain significance for Perrault syndrome; Bifunctional peroxisomal enzyme deficiency. Last evaluated: 2022-10-05. Review status: criteria provided, single submitter. Criteria: Invitae Variant Classification Sherloc (09022015). Collection method: clinical testing. Allele origin: germline.
Comment: This sequence change replaces isoleucine, which is neutral and non-polar, with valine, which is neutral and non-polar, at codon 394 of the HSD17B4 protein (p.Ile394Val). This variant is present in population databases (rs764956942, gnomAD 0.008%). This variant has not been reported in the literature in individuals affected with HSD17B4-related conditions. Advanced modeling of protein sequence and biophysical properties (such as structural, functional, and spatial information, amino acid conservation, physicochemical variation, residue mobility, and thermodynamic stability) performed at Invitae indicates that this missense variant is not expected to disrupt HSD17B4 protein function. In summary, the available evidence is currently insufficient to determine the role of this variant in disease. Therefore, it has been classified as a Variant of Uncertain Significance.